The following is an entry in ClinVar:

NM_020166.5(MCCC1):c.583G>A (p.Ala195Thr)

Gene: MCCC1 (methylcrotonyl-CoA carboxylase subunit 1; minus strand). Cytogenetic location: 3q27.1.
Variant type: single nucleotide variant.
Coding change: c.583G>A on transcript NM_020166.5 (MANE Select); coding-DNA position 583, G replaced by A.
Protein change: p.Ala195Thr; replaces alanine 195 with threonine.
Molecular consequence: missense variant. On other transcripts: non-coding transcript variant (2).
Genome position (GRCh38, 1-based): chr3:183,071,266, C>T on the plus strand (G>A on the coding strand, the complement: MCCC1 is on the minus strand). VCF-style: chr3-183071266-C-T. GRCh37 (hg19) VCF-style: chr3-182789054-C-T.
Other names: c.232G>A, p.Ala78Thr (NM_001293273.2); c.256G>A, p.Ala86Thr (NM_001363880.1); short protein forms A86T, A78T, A195T.
Identifiers: ClinVar variation 4738990 (VCV004738990.1).
Genomic context (GRCh38, chr3:183,071,266, plus strand): 5'-TTACTTTTCCTCCTCCACCCCGGACGGCTTTAATCATGACAGGATAGCCAATTCTCCTGG[C>T]GTGTTCCTTCAGGCACTGGTCTGATTGGTCCTCACCATGATAACCCTCCACAACAGGTAC-3'
Protein context (NP_064551.3, residues 185-205): DQSDQCLKEH[Ala195Thr]RRIGYPVMIK

ClinVar aggregate classification (germline): Uncertain significance (1 of 4 stars; one submission).

Conditions:
3-methylcrotonyl-CoA carboxylase 1 deficiency (MCC1D). Also called: MCC 1 deficiency; 3 Alpha methylcrotonylglycinuria 1; MCCD TYPE 1; METHYLCROTONYLGLYCINURIA TYPE I. Identifiers: Orphanet 6, MedGen CN028786, MONDO:0008861, OMIM 210200.

gnomAD v4.1: 11 of 1,614,232 alleles (0.00068%); highest among the groups gnomAD compares: African/African-American, 0.008%; no homozygotes.

Submission:

Labcorp Genetics (formerly Invitae), Labcorp
Classification: Uncertain significance for 3-methylcrotonyl-CoA carboxylase 1 deficiency. Last evaluated: 2025-10-15. Review status: criteria provided, single submitter. Criteria: Invitae Variant Classification Sherloc (09022015). Collection method: clinical testing. Allele origin: germline.
Comment: This sequence change replaces alanine, which is neutral and non-polar, with threonine, which is neutral and polar, at codon 195 of the MCCC1 protein (p.Ala195Thr). This variant is not present in population databases (gnomAD no frequency). This missense change has been observed in individual(s) with a positive newborn screening result for MCCC1-related disease (internal data). Invitae Evidence Modeling of protein sequence and biophysical properties (such as structural, functional, and spatial information, amino acid conservation, physicochemical variation, residue mobility, and thermodynamic stability) has been performed for this missense variant. However, the output from this modeling did not meet the statistical confidence thresholds required to predict the impact of this variant on MCCC1 protein function. In summary, the available evidence is currently insufficient to determine the role of this variant in disease. Therefore, it has been classified as a Variant of Uncertain Significance.